The following is an entry in ClinVar:

NM_001376571.1(MADD):c.2502C>T (p.Thr834=)

Gene: MADD (MAP kinase activating death domain; plus strand). Cytogenetic location: 11p11.2.
Variant type: single nucleotide variant.
Coding change: c.2502C>T on transcript NM_001376571.1 (MANE Select); coding-DNA position 2502, C replaced by T.
Protein change: p.Thr834=; no amino-acid change (threonine 834 retained).
Molecular consequence: synonymous variant. On other transcripts: non-coding transcript variant (8).
Genome position (GRCh38, 1-based): chr11:47,285,541, C>T. VCF-style: chr11-47285541-C-T. GRCh37 (hg19) VCF-style: chr11-47307092-C-T.
Other names: c.2373C>T, p.Thr791= (NM_001135943.2, NM_001135944.2, NM_001376581.1 and 41 more transcripts); c.2502C>T, p.Thr834= (NM_001376572.1, NM_001376573.1, NM_001376574.1 and 31 more transcripts); c.2475C>T, p.Thr825= (NM_001376578.1, NM_001376631.1); c.2349C>T, p.Thr783= (NM_001376602.1); c.2298C>T, p.Thr766= (NM_001376620.1, NM_001376626.1, NM_001376648.1 and 1 more transcripts); c.2169C>T, p.Thr723= (NM_001376627.1, NM_001376635.1, NM_001376644.1 and 5 more transcripts); c.2346C>T, p.Thr782= (NM_001376632.1, NM_001376649.1); c.1836C>T, p.Thr612= (NM_001376663.1).
Identifiers: ClinVar variation 3043351 (VCV003043351.3), dbSNP rs148592803, ClinGen allele CA5974454.
Genomic context (GRCh38, chr11:47,285,541, plus strand): 5'-GAGACTGGCAAGTGACTCAGATGCAGAGTCAGACTCTCGGGCAAGCTCTCCCAACTCCAC[C>T]GTCTCCAACACCAGCACCGAGGGCTTCGGGGGCATCATGTCTTTTGCCAGTAAGTGCCTT-3'
Protein context (NP_001363500.1, residues 824-844): SDSRASSPNS[Thr834=]VSNTSTEGFG

ClinVar aggregate classification (germline): Likely benign. Review status: criteria provided, single submitter (1 of 4 stars). 2 submissions from 2 submitters: Likely benign (1). 1 of the submissions does not count toward it. Last evaluated 2020-08-10.

Conditions:
MADD-related disorder. Also called: MADD-Related Disorders; MADD-related condition.

Allele frequency attached by ClinVar (database versions not stated): gnomAD exomes 0.00003; ExAC 0.00006; 1000 Genomes Project 30x 0.00016; 1000 Genomes Project 0.00020; TOPMed 0.00021; ESP Exome Variant Server 0.00023; gnomAD 0.00024.
gnomAD v4.1: 87 of 1,614,170 alleles (0.0054%); highest among the groups gnomAD compares: African/African-American, 0.063%; no homozygotes.

Submissions (2):

Blueprint Genetics
Classification: Likely benign. Last evaluated: 2020-08-10. Review status: criteria provided, single submitter. Criteria: ACMG Guidelines, 2015. Collection method: clinical testing. Allele origin: germline.

PreventionGenetics, part of Exact Sciences
Classification: Likely benign for MADD-related condition. Last evaluated: 2019-06-27. Review status: no assertion criteria provided. Collection method: clinical testing. Allele origin: germline. Not counted in ClinVar's aggregate classification.
Comment: This variant is classified as likely benign based on ACMG/AMP sequence variant interpretation guidelines (Richards et al. 2015 PMID: 25741868, with internal and published modifications).